The following is an entry in ClinVar:

ClinVar aggregate classification (germline): Pathogenic/Likely pathogenic. Review status: criteria provided, multiple submitters, no conflicts (2 of 4 stars). 2 submissions from 2 submitters: Pathogenic (1); Likely pathogenic (1). Last evaluated 2024-10-09.

Conditions:
Bardet-Biedl syndrome 10 (BBS10). Identifiers: Orphanet 110, MedGen C1859568, MONDO:0014438, OMIM 615987.
BBS10-related disorder. Also called: BBS10-related condition.

Submissions (2):

PreventionGenetics, part of Exact Sciences
Classification: Likely pathogenic for BBS10-related condition. Last evaluated: 2024-10-09. Review status: criteria provided, single submitter. Criteria: ACMG Guidelines, 2015. Collection method: clinical testing. Allele origin: germline.
Comment: The BBS10 c.624dupT variant is predicted to result in a frameshift and premature protein termination (p.Gly209Trpfs*4). To our knowledge, this variant has not been reported in the literature or in a large population database (gnomAD), indicating this variant is rare. Frameshift variants in BBS10 are expected to be pathogenic. This variant is interpreted as likely pathogenic.

Clinical Genetics Service, Universitary Hospital 12 de Octubre
Classification: Pathogenic for Bardet-Biedl syndrome 10. Review status: criteria provided, single submitter. Criteria: ACMG Guidelines, 2015. Collection method: clinical testing. Allele origin: paternal. Affected: yes.

NM_024685.4(BBS10):c.624dup (p.Gly209fs)

Gene: BBS10 (Bardet-Biedl syndrome 10; minus strand). Cytogenetic location: 12q21.2.
Variant type: Duplication.
Coding change: c.624dup on transcript NM_024685.4 (MANE Select); coding-DNA position 624, one base duplicated (T; older notation c.624dupT).
Protein change: p.Gly209fs; shifts the reading frame from glycine 209.
Molecular consequence: frameshift variant.
Genome position (GRCh38, 1-based): chr12:76,347,361, A duplicated on the plus strand (T on the coding strand, the reverse complement: BBS10 is on the minus strand); the first of 2 consecutive A bases (chr12:76,347,361-76,347,362); duplicating either gives the same sequence. VCF-style (leftmost placement, unchanged base first): chr12-76347360-C-CA. GRCh37 (hg19) VCF-style: chr12-76741140-C-CA.
Other names: c.624dup (NM_024685.3); c.624dupT (NM_024685.3); short protein forms G209fs.
Identifiers: ClinVar variation 5001680 (VCV005001680.2).